The following is an entry in ClinVar:

ClinVar aggregate classification (germline): Uncertain significance (1 of 4 stars; one submission).

gnomAD v4.1: 1 of 1,549,964 alleles (0.000065%); highest among the groups gnomAD compares: Non-Finnish European, 0.000087%; no homozygotes.

Submission:

Women's Health and Genetics/Laboratory Corporation of America, LabCorp
Classification: Uncertain significance. Last evaluated: 2026-01-05. Review status: criteria provided, single submitter. Criteria: LabCorp Variant Classification Summary - May 2015. Collection method: clinical testing. Allele origin: germline.
Comment: Variant summary: ZNF469 c.8797G>T (p.Gly2933Cys) results in a non-conservative amino acid change in the encoded protein sequence. Algorithms developed to predict the effect of missense changes on protein structure and function are either unavailable or do not agree on the potential impact of this missense change. The variant was absent in 149772 control chromosomes. The available data on variant occurrences in the general population are insufficient to allow any conclusion about variant significance. To our knowledge, no occurrence of c.8797G>T in individuals affected with ZNF469-related conditions and no experimental evidence demonstrating its impact on protein function have been reported. No submitters have cited clinical-significance assessments for this variant to ClinVar. Based on the evidence outlined above, the variant was classified as uncertain significance.

NM_001367624.2(ZNF469):c.8797G>T (p.Gly2933Cys)

Gene: ZNF469 (zinc finger protein 469; plus strand). Cytogenetic location: 16q24.2.
Variant type: single nucleotide variant.
Coding change: c.8797G>T on transcript NM_001367624.2 (MANE Select); coding-DNA position 8797, G replaced by T.
Protein change: p.Gly2933Cys; replaces glycine 2933 with cysteine.
Molecular consequence: missense variant.
Genome position (GRCh38, 1-based): chr16:88,436,267, G>T. VCF-style: chr16-88436267-G-T. GRCh37 (hg19) VCF-style: chr16-88502675-G-T.
Other names: short protein forms G2933C.
Identifiers: ClinVar variation 4689638 (VCV004689638.1).